The following is an entry in ClinVar:

NM_000155.4(GALT):c.1060-1G>A

Gene: GALT (galactose-1-phosphate uridylyltransferase; plus strand). Cytogenetic location: 9p13.3.
Variant type: single nucleotide variant.
Coding change: c.1060-1G>A on transcript NM_000155.4 (MANE Select); the canonical splice acceptor site of the intron before coding-DNA position 1060, G replaced by A.
Molecular consequence: splice acceptor variant.
Genome position (GRCh38, 1-based): chr9:34,650,368, G>A. VCF-style: chr9-34650368-G-A. GRCh37 (hg19) VCF-style: chr9-34650365-G-A.
Other names: c.733-1G>A (NM_001258332.2).
Identifiers: ClinVar variation 25329 (VCV000025329.12), dbSNP rs367543268, ClinGen allele CA259582.

ClinVar aggregate classification (germline): Pathogenic/Likely pathogenic. Review status: criteria provided, multiple submitters, no conflicts (2 of 4 stars). 5 submissions from 5 submitters: Pathogenic (1); Likely pathogenic (3). 1 of the submissions does not count toward it. Last evaluated 2024-08-20.

Conditions:
Galactosemia. Also called: Galactose intolerance. Identifiers: Orphanet 352, MedGen C0016952, MONDO:0018116, HP:0004919. Disease mechanism: loss of function.
Deficiency of UDPglucose-hexose-1-phosphate uridylyltransferase. Also called: GALACTOSE-1-PHOSPHATE URIDYLYLTRANSFERASE DEFICIENCY; GALT deficiency; Galactosemia, classic; Transferase Deficiency Galactosemia; GALACTOSEMIA I. Identifiers: Orphanet 352, Orphanet 79239, MedGen C0268151, MONDO:0009258, OMIM 230400.

Submissions (5):

Natera, Inc.
Classification: Likely pathogenic for Galactosemia. Last evaluated: 2024-08-20. Review status: criteria provided, single submitter. Criteria: Natera Variant Classification Schema (03/2026). Collection method: clinical testing. Allele origin: germline.
Comment: The c.1060-1G>A variant in GALT is a canonical splice acceptor site variant predicted to affect pre-mRNA splicing, which may result in an abnormal transcript and altered protein product. This variant is expected to result in nonsense mediated decay, truncation, or a dysfunctional protein product. This variant is rare in the general population with a frequency below the threshold expected for the associated phenotype(s). Given the available evidence, this variant is classified as Likely Pathogenic.

Baylor Genetics
Classification: Likely pathogenic for Deficiency of UDPglucose-hexose-1-phosphate uridylyltransferase. Last evaluated: 2023-11-16. Review status: criteria provided, single submitter. Criteria: ACMG Guidelines, 2015. Collection method: clinical testing. Allele origin: unknown.

Women's Health and Genetics/Laboratory Corporation of America, LabCorp
Classification: Likely pathogenic for Deficiency of UDPglucose-hexose-1-phosphate uridylyltransferase. Last evaluated: 2019-11-07. Review status: criteria provided, single submitter. Criteria: LabCorp Variant Classification Summary - May 2015. Collection method: clinical testing. Allele origin: germline.
Comment: Variant summary: GALT c.1060-1G>A is located in a canonical splice-site and is predicted to affect mRNA splicing resulting in a significantly altered protein due to either exon skipping, shortening, or inclusion of intronic material. Several computational tools predict a significant impact on normal splicing: Four predict the variant abolishes the canonical 3' acceptor site and creates an alternate adjacent 3' acceptor site. However, these predictions have yet to be confirmed by functional studies. The variant was absent in 251440 control chromosomes. To our knowledge, no occurrence of c.1060-1G>A in individuals affected with Galactosemia and no experimental evidence demonstrating its impact on protein function have been reported in the literature. They go on to state, "This mutation is expected to affect normal splicing of exon 11." Two clinical diagnostic laboratories have submitted clinical-significance assessments for this variant to ClinVar after 2014 without evidence for independent evaluation. All laboratories classified the variant as pathogenic (n=1)/likely pathogenic (n=1). Based on the evidence outlined above, the variant was classified as likely pathogenic.

Eurofins Ntd Llc (ga)
Classification: Pathogenic. Last evaluated: 2015-08-24. Review status: criteria provided, single submitter. Criteria: EGL Classification Definitions 2015. Collection method: clinical testing. Allele origin: germline. Observed: 1 variant allele, 1 heterozygote.

Counsyl
Classification: Likely pathogenic for Deficiency of UDPglucose-hexose-1-phosphate uridylyltransferase. Last evaluated: 2019-07-12. Review status: no assertion criteria provided. Collection method: clinical testing. Allele origin: unknown. Not counted in ClinVar's aggregate classification.